The following is an entry in ClinVar:

ClinVar aggregate classification (germline): Pathogenic/Likely pathogenic. Review status: criteria provided, multiple submitters, no conflicts (2 of 4 stars). 4 submissions from 4 submitters: Pathogenic (1); Likely pathogenic (3). Last evaluated 2024-05-17.

Conditions:
ADGRV1-related disorder. Also called: ADGRV1-related disorders; ADGRV1-related condition.
Febrile seizures, familial, 4 (FEB4). Also called: CONVULSIONS, FAMILIAL FEBRILE, 4. Identifiers: MedGen C1858493, MONDO:0011443, OMIM 604352.
Usher syndrome type 2C. Also called: USHER SYNDROME, TYPE IIC; Usher syndrome, type 2B. Identifiers: Orphanet 231178, Orphanet 886, MedGen C2931213, MONDO:0011558, OMIM 605472.

Submissions (4):

Fulgent Genetics
Classification: Likely pathogenic for Febrile seizures, familial, 4; Usher syndrome type 2C. Last evaluated: 2024-05-17. Review status: criteria provided, single submitter. Criteria: ACMG Guidelines, 2015. Collection method: clinical testing. Allele origin: germline.

Labcorp Genetics (formerly Invitae), Labcorp
Classification: Pathogenic. Last evaluated: 2022-02-23. Review status: criteria provided, single submitter. Criteria: Invitae Variant Classification Sherloc (09022015). Collection method: clinical testing. Allele origin: germline.
Comment: For these reasons, this variant has been classified as Pathogenic. ClinVar contains an entry for this variant (Variation ID: 957357). This variant has not been reported in the literature in individuals affected with ADGRV1-related conditions. This variant is not present in population databases (gnomAD no frequency). This sequence change creates a premature translational stop signal (p.Arg4542Alafs*29) in the ADGRV1 gene. It is expected to result in an absent or disrupted protein product. Loss-of-function variants in ADGRV1 are known to be pathogenic (PMID: 19357117, 22135276, 22147658, 26226137, 26667666, 30029497, 32467589).

GeneDx
Classification: Likely pathogenic. Last evaluated: 2021-11-08. Review status: criteria provided, single submitter. Criteria: GeneDx Variant Classification Process June 2021. Collection method: clinical testing. Allele origin: germline. Affected: yes.
Comment: Frameshift variant predicted to result in protein truncation or nonsense mediated decay in a gene for which loss-of-function is a known mechanism of disease; Not observed at significant frequency in large population cohorts (Lek et al., 2016); Has not been previously published as pathogenic or benign to our knowledge

Blueprint Genetics
Classification: Likely pathogenic for ADGRV1-related disorders. Last evaluated: 2020-02-21. Review status: criteria provided, single submitter. Criteria: ACMG Guidelines, 2015. Collection method: clinical testing. Allele origin: germline. Affected: yes. Observed: 1 variant allele.

Literature cited by the submitters: PubMed 19357117 (cited by Labcorp Genetics (formerly Invitae), Labcorp); PubMed 22135276 (cited by Labcorp Genetics (formerly Invitae), Labcorp); PubMed 22147658 (cited by Labcorp Genetics (formerly Invitae), Labcorp); PubMed 26226137 (cited by Labcorp Genetics (formerly Invitae), Labcorp); PubMed 26667666 (cited by Labcorp Genetics (formerly Invitae), Labcorp); PubMed 30029497 (cited by Labcorp Genetics (formerly Invitae), Labcorp); PubMed 32467589 (cited by Labcorp Genetics (formerly Invitae), Labcorp).

NM_032119.4(ADGRV1):c.13622dup (p.Arg4542fs)

Gene: ADGRV1 (adhesion G protein-coupled receptor V1; plus strand). Cytogenetic location: 5q14.3.
Variant type: Duplication.
Coding change: c.13622dup on transcript NM_032119.4 (MANE Select); coding-DNA position 13622, one base duplicated (A; older notation c.13622dupA).
Protein change: p.Arg4542fs; shifts the reading frame from arginine 4542.
Molecular consequence: frameshift variant. On other transcripts: non-coding transcript variant (1).
Genome position (GRCh38, 1-based): chr5:90,784,026, A duplicated. VCF-style (leftmost placement, unchanged base first): chr5-90784025-G-GA. GRCh37 (hg19) VCF-style: chr5-90079842-G-GA.
Other names: short protein forms R4542fs.
Identifiers: ClinVar variation 957357 (VCV000957357.11), dbSNP rs1759155995, ClinGen allele CA1139658962.